The following is an entry in ClinVar:

ClinVar aggregate classification (germline): Conflicting classifications of pathogenicity. Review status: criteria provided, conflicting classifications (1 of 4 stars). 2 submissions from 2 submitters: Uncertain significance (1); Likely benign (1). Last evaluated 2021-03-01.

Submissions (2):

CeGaT Center for Human Genetics Tuebingen
Classification: Likely benign. Last evaluated: 2021-03-01. Review status: criteria provided, single submitter. Criteria: CeGaT Center For Human Genetics Tuebingen Variant Classification Criteria Version 2. Collection method: clinical testing. Allele origin: germline. Affected: yes. Observed: 1 variant allele.

GeneDx
Classification: Uncertain significance. Last evaluated: 2019-10-01. Review status: criteria provided, single submitter. Criteria: GeneDx Variant Classification Process June 2021. Collection method: clinical testing. Allele origin: germline. Affected: yes.
Comment: Has not been previously published as pathogenic or benign to our knowledge; Not observed at a significant frequency in large population cohorts (Lek et al., 2016); In-silico analysis, which includes splice predictors and evolutionary conservation, is inconclusive as to whether the variant alters gene splicing. In the absence of RNA/functional studies, the actual effect of this sequence change is unknown.

NM_001365276.2(TNXB):c.7493-4del

Gene: TNXB (tenascin XB; minus strand). Cytogenetic location: 6p21.33.
Variant type: Deletion.
Coding change: c.7493-4del on transcript NM_001365276.2 (MANE Select); 4 bases into the intron before coding-DNA position 7493, one base deleted (T; older notation c.7493-4delT).
Molecular consequence: intron variant.
Genome position (GRCh38, 1-based): chr6:32,058,394, A deleted on the plus strand (T on the coding strand, the reverse complement: TNXB is on the minus strand); the first of 3 consecutive A bases (chr6:32,058,394-32,058,396); deleting any one gives the same sequence. VCF-style (leftmost placement, unchanged base first): chr6-32058393-GA-G. GRCh37 (hg19) VCF-style: chr6-32026170-GA-G.
Other names: c.7493-4del (NM_019105.8).
Identifiers: ClinVar variation 1176193 (VCV001176193.39), dbSNP rs1352801514, ClinGen allele CA566365886.
Genomic context (GRCh38, chr6:32,058,393, plus strand): 5'-GGGGCCTCTGTGCCTGGTTCTGTAGGGCTGGGGGTCTCGTCCACATCCTCTTGTGGGGCT[GA>G]AAGGTAATATAGGGGGATACAGAGTTTAAGGGTTTAAGGGCAACTTGCTTTGCTGGTGCT-3'